The following is an entry in ClinVar:

ClinVar aggregate classification (germline): Uncertain significance. Review status: criteria provided, multiple submitters, no conflicts (2 of 4 stars). 2 submissions from 2 submitters: Uncertain significance (2). Last evaluated 2023-07-27.

Conditions:
Multiple endocrine neoplasia, type 2 (MEN2). Identifiers: Orphanet 653, MedGen C4048306, MONDO:0019003. Disease mechanism: gain of function.
Hereditary cancer-predisposing syndrome. Also called: Tumor predisposition; Hereditary neoplastic syndrome; Hereditary Cancer Syndrome; Neoplastic Syndromes, Hereditary. Identifiers: Orphanet 140162, MedGen C0027672, MeSH D009386, MONDO:0015356.

Submissions (2):

Ambry Genetics
Classification: Uncertain significance for Hereditary cancer-predisposing syndrome. Last evaluated: 2023-07-27. Review status: criteria provided, single submitter. Criteria: Ambry Variant Classification Scheme 2023. Collection method: clinical testing. Allele origin: germline.
Comment: The c.2284+3A>G intronic variant results from an A to G substitution 3 nucleotides after coding exon 12 in the RET gene. This nucleotide position is well conserved in available vertebrate species. In silico splice site analysis predicts that this alteration will not have any significant effect on splicing. Since supporting evidence is limited at this time, the clinical significance of this alteration remains unclear.

Labcorp Genetics (formerly Invitae), Labcorp
Classification: Uncertain significance for Multiple endocrine neoplasia, type 2. Last evaluated: 2019-05-27. Review status: criteria provided, single submitter. Criteria: Invitae Variant Classification Sherloc (09022015). Collection method: clinical testing. Allele origin: germline.
Comment: This sequence change falls in intron 12 of the RET gene. It does not directly change the encoded amino acid sequence of the RET protein, but it affects a nucleotide within the consensus splice site of the intron. This variant is not present in population databases (ExAC no frequency). In summary, the available evidence is currently insufficient to determine the role of this variant in disease. Therefore, it has been classified as a Variant of Uncertain Significance. Nucleotide substitutions within the consensus splice site are a relatively common cause of aberrant splicing (PMID: 17576681, 9536098). Algorithms developed to predict the effect of sequence changes on RNA splicing suggest that this variant may disrupt the consensus splice site, but this prediction has not been confirmed by published transcriptional studies. This variant has not been reported in the literature in individuals with RET-related conditions.

Literature cited by the submitters: PubMed 17576681 (cited by Labcorp Genetics (formerly Invitae), Labcorp); PubMed 9536098 (cited by Labcorp Genetics (formerly Invitae), Labcorp).

NM_020975.6(RET):c.2284+3A>G

Gene: RET (ret proto-oncogene; plus strand). Cytogenetic location: 10q11.21.
Variant type: single nucleotide variant.
Coding change: c.2284+3A>G on transcript NM_020975.6 (MANE Select); 3 bases into the intron after coding-DNA position 2284, A replaced by G.
Molecular consequence: intron variant.
Genome position (GRCh38, 1-based): chr10:43,116,734, A>G. VCF-style: chr10-43116734-A-G. GRCh37 (hg19) VCF-style: chr10-43612182-A-G.
Other names: c.1996+3A>G (NM_001406766.1, NM_001406767.1, NM_001406770.1); c.1558+3A>G (NM_001406778.1, NM_001406775.1, NM_001406776.1 and 1 more transcripts); c.835+3A>G (NM_001406794.1, NM_001406792.1, NM_001406793.1); c.1522+3A>G (NM_001355216.2); c.1099+3A>G (NM_001406790.1, NM_001406788.1, NM_001406789.1); c.979+3A>G (NM_001406791.1); c.1294+3A>G (NM_001406784.1); c.2284+3A>G (NM_020630.7, NM_001406743.1, NM_001406744.1 and 2 more transcripts); and 10 more.
Identifiers: ClinVar variation 936270 (VCV000936270.11), dbSNP rs1838080251, ClinGen allele CA1139659383.